The following is an entry in ClinVar:

ClinVar aggregate classification (germline): Uncertain significance (1 of 4 stars; one submission).

Conditions:
Familial cold autoinflammatory syndrome 2 (FCAS2). Identifiers: Orphanet 247868, MedGen C2673198, MONDO:0012724, OMIM 611762.

Allele frequency attached by ClinVar (database versions not stated): gnomAD exomes below 0.00001.
gnomAD v4.1: 1 of 1,614,084 alleles (0.000062%); highest among the groups gnomAD compares: Non-Finnish European, 0.000085%; no homozygotes.

Submission:

Labcorp Genetics (formerly Invitae), Labcorp
Classification: Uncertain significance for Familial cold autoinflammatory syndrome 2. Last evaluated: 2022-07-12. Review status: criteria provided, single submitter. Criteria: Invitae Variant Classification Sherloc (09022015). Collection method: clinical testing. Allele origin: germline.
Comment: This variant is not present in population databases (gnomAD no frequency). In summary, the available evidence is currently insufficient to determine the role of this variant in disease. Therefore, it has been classified as a Variant of Uncertain Significance. Algorithms developed to predict the effect of missense changes on protein structure and function are either unavailable or do not agree on the potential impact of this missense change (SIFT: "Tolerated"; PolyPhen-2: "Possibly Damaging"; Align-GVGD: "Class C0"). ClinVar contains an entry for this variant (Variation ID: 1010374). This variant has not been reported in the literature in individuals affected with NLRP12-related conditions. This sequence change replaces histidine, which is basic and polar, with arginine, which is basic and polar, at codon 632 of the NLRP12 protein (p.His632Arg).

NM_144687.4(NLRP12):c.1895A>G (p.His632Arg)

Gene: NLRP12 (NLR family pyrin domain containing 12; minus strand). Cytogenetic location: 19q13.42.
Variant type: single nucleotide variant.
Coding change: c.1895A>G on transcript NM_144687.4 (MANE Select); coding-DNA position 1895, A replaced by G.
Protein change: p.His632Arg; replaces histidine 632 with arginine.
Molecular consequence: missense variant.
Genome position (GRCh38, 1-based): chr19:53,809,764, T>C on the plus strand (A>G on the coding strand, the complement: NLRP12 is on the minus strand). VCF-style: chr19-53809764-T-C. GRCh37 (hg19) VCF-style: chr19-54313018-T-C.
Other names: c.1895A>G, p.His632Arg (NM_001277126.2, NM_001277129.1); short protein forms H632R.
Identifiers: ClinVar variation 1010374 (VCV001010374.8), dbSNP rs916557452, ClinGen allele CA310068590.